The following is an entry in ClinVar:

ClinVar aggregate classification (germline): Uncertain significance (1 of 4 stars; one submission).

Submission:

Labcorp Genetics (formerly Invitae), Labcorp
Classification: Uncertain significance. Last evaluated: 2022-08-16. Review status: criteria provided, single submitter. Criteria: Invitae Variant Classification Sherloc (09022015). Collection method: clinical testing. Allele origin: germline.
Comment: This sequence change replaces serine, which is neutral and polar, with proline, which is neutral and non-polar, at codon 157 of the RIN2 protein (p.Ser157Pro). This variant is not present in population databases (gnomAD no frequency). This variant has not been reported in the literature in individuals affected with RIN2-related conditions. Algorithms developed to predict the effect of missense changes on protein structure and function are either unavailable or do not agree on the potential impact of this missense change (SIFT: "Deleterious"; PolyPhen-2: "Not Available"; Align-GVGD: "Class C0"). In summary, the available evidence is currently insufficient to determine the role of this variant in disease. Therefore, it has been classified as a Variant of Uncertain Significance.

NM_018993.4(RIN2):c.469T>C (p.Ser157Pro)

Gene: RIN2 (Ras and Rab interactor 2; plus strand). Cytogenetic location: 20p11.23.
Variant type: single nucleotide variant.
Coding change: c.469T>C on transcript NM_018993.4 (MANE Select); coding-DNA position 469, T replaced by C.
Protein change: p.Ser157Pro; replaces serine 157 with proline.
Molecular consequence: missense variant. On other transcripts: intron variant (1).
Genome position (GRCh38, 1-based): chr20:19,964,957, T>C. VCF-style: chr20-19964957-T-C. GRCh37 (hg19) VCF-style: chr20-19945601-T-C.
Other names: c.616T>C, p.Ser206Pro (NM_001242581.2); c.-83+4146T>C (NM_001378238.1); short protein forms S157P, S206P.
Identifiers: ClinVar variation 1716519 (VCV001716519.5), dbSNP rs2515441812, ClinGen allele CA408357618.